The following is an entry in ClinVar:

ClinVar aggregate classification (germline): Uncertain significance (1 of 4 stars; one submission).

Conditions:
LRP1B-related disorder. Also called: LRP1B-related condition.

Allele frequency attached by ClinVar (database versions not stated): TOPMed below 0.00001; gnomAD 0.00001.
gnomAD v4.1: 3 of 1,593,370 alleles (0.00019%); highest among the groups gnomAD compares: Non-Finnish European, 0.00026%; no homozygotes.

Submission:

PreventionGenetics, part of Exact Sciences
Classification: Uncertain significance for LRP1B-related condition. Last evaluated: 2023-07-18. Review status: criteria provided, single submitter. Criteria: ACMG Guidelines, 2015. Collection method: clinical testing. Allele origin: germline.
Comment: The LRP1B c.6820C>T variant is predicted to result in the amino acid substitution p.Leu2274Phe. To our knowledge, this variant has not been reported in the literature. This variant is reported in 0.00090% of alleles in individuals of European (Non-Finnish) descent in gnomAD. At this time, the clinical significance of this variant is uncertain due to the absence of conclusive functional and genetic evidence.

NM_018557.3(LRP1B):c.6820C>T (p.Leu2274Phe)

Gene: LRP1B (LDL receptor related protein 1B; minus strand). Cytogenetic location: 2q22.1.
Variant type: single nucleotide variant.
Coding change: c.6820C>T on transcript NM_018557.3 (MANE Select); coding-DNA position 6820, C replaced by T.
Protein change: p.Leu2274Phe; replaces leucine 2274 with phenylalanine.
Molecular consequence: missense variant.
Genome position (GRCh38, 1-based): chr2:140,601,619, G>A on the plus strand (C>T on the coding strand, the complement: LRP1B is on the minus strand). VCF-style: chr2-140601619-G-A. GRCh37 (hg19) VCF-style: chr2-141359188-G-A.
Other names: short protein forms L2274F.
Identifiers: ClinVar variation 2634934 (VCV002634934.1), dbSNP rs556894524, ClinGen allele CA1894485.